The following is an entry in ClinVar:

ClinVar aggregate classification (germline): Benign/Likely benign. Review status: criteria provided, multiple submitters, no conflicts (2 of 4 stars). 4 submissions from 2 submitters: Benign (1); Likely benign (3). Last evaluated 2022-04-24.

Conditions:
Mastocytosis. Also called: Mast Cell Disease. Identifiers: Orphanet 98292, MedGen C0024899, MONDO:0007950, HP:0100495.
Gastrointestinal stromal tumor. Also called: Gastrointestinal stromal tumor, somatic; Gastrointestinal stroma tumor. Identifiers: Orphanet 44890, MedGen C0238198, MeSH D046152, MONDO:0011719, OMIM 606764, HP:0100723.
Piebaldism. Also called: Piebald skin depigmentation. Identifiers: Orphanet 2884, MedGen C0080024, MONDO:0008244, OMIM 172800, HP:0007544.

Allele frequency attached by ClinVar (database versions not stated): gnomAD exomes 0.00071; 1000 Genomes Project 0.00260; 1000 Genomes Project 30x 0.00328; gnomAD 0.00336 and 0.00358; TOPMed 0.00383.
gnomAD v4.1: 570 of 233,556 alleles (0.24%); highest among the groups gnomAD compares: African/African-American, 1.2%; 1 homozygote.

Submissions (4):

GeneDx
Classification: Likely benign. Last evaluated: 2022-04-24. Review status: criteria provided, single submitter. Criteria: GeneDx Variant Classification Process June 2021. Collection method: clinical testing. Allele origin: germline. Affected: yes.

Illumina Laboratory Services, Illumina
Classification: Benign for Cutaneous mastocytosis. Last evaluated: 2018-01-13. Review status: criteria provided, single submitter. Criteria: ICSL Variant Classification Criteria 13 December 2019. Collection method: clinical testing. Allele origin: germline.
Comment: This variant was observed in the ICSL laboratory as part of a predisposition screen in an ostensibly healthy population. It had not been previously curated by ICSL or reported in the Human Gene Mutation Database (HGMD: prior to June 1st, 2018), and was therefore a candidate for classification through an automated scoring system. Utilizing variant allele frequency, disease prevalence and penetrance estimates, and inheritance mode, an automated score was calculated to assess if this variant is too frequent to cause the disease. Based on the score and internal cut-off values, a variant classified as benign is not then subjected to further curation. The score for this variant resulted in a classification of benign for this disease.

Illumina Laboratory Services, Illumina
Classification: Likely benign for Piebaldism. Last evaluated: 2018-01-13. Review status: criteria provided, single submitter. Criteria: ICSL Variant Classification Criteria 13 December 2019. Collection method: clinical testing. Allele origin: germline.
Comment: This variant was observed in the ICSL laboratory as part of a predisposition screen in an ostensibly healthy population. It had not been previously curated by ICSL or reported in the Human Gene Mutation Database (HGMD: prior to June 1st, 2018), and was therefore a candidate for classification through an automated scoring system. Utilizing variant allele frequency, disease prevalence and penetrance estimates, and inheritance mode, an automated score was calculated to assess if this variant is too frequent to cause the disease. Based on the score and internal cut-off values, a variant classified as likely benign is not then subjected to further curation. The score for this variant resulted in a classification of likely benign for this disease.

Illumina Laboratory Services, Illumina
Classification: Likely benign for Gastrointestinal stromal tumor. Last evaluated: 2018-01-13. Review status: criteria provided, single submitter. Criteria: ICSL Variant Classification Criteria 13 December 2019. Collection method: clinical testing. Allele origin: germline.
Comment: the same text as in the submission from Illumina Laboratory Services, Illumina above.

NM_000222.3(KIT):c.*1791G>A

Gene: KIT (KIT proto-oncogene, receptor tyrosine kinase; plus strand). Cytogenetic location: 4q12.
Variant type: single nucleotide variant.
Coding change: c.*1791G>A on transcript NM_000222.3 (MANE Select); 1791 bases downstream of the stop codon, G replaced by A.
Molecular consequence: 3 prime UTR variant.
Genome position (GRCh38, 1-based): chr4:54,740,348, G>A. VCF-style: chr4-54740348-G-A. GRCh37 (hg19) VCF-style: chr4-55606514-G-A.
Other names: c.*1791G>A (NM_001093772.2, NM_001385284.1, NM_001385285.1 and 4 more transcripts).
Identifiers: ClinVar variation 348973 (VCV000348973.6), dbSNP rs77842054, ClinGen allele CA10618859.
Genomic context (GRCh38, chr4:54,740,348, plus strand): 5'-GCCATACTTTGTCTGAAAAATTCCTTTGTGTTTCTATTGACTTCAATGATAGTAAGAAAA[G>A]TGGTTGTTAGTTATAGATGTCTAGGTACTTCAGGGGCACTTCATTGAGAGTTTTGTCTTG-3'